The following is an entry in ClinVar:

ClinVar aggregate classification (germline): Likely benign (1 of 4 stars; one submission).

gnomAD v4.1: 2 of 1,613,974 alleles (0.00012%); highest among the groups gnomAD compares: South Asian, 0.0022%; no homozygotes.

Submission:

Laboratory for Molecular Medicine, Mass General Brigham Personalized Medicine
Classification: Likely benign. Last evaluated: 2014-09-16. Review status: criteria provided, single submitter. Criteria: LMM Criteria. Collection method: clinical testing. Allele origin: germline. Observed: 1 variant allele.
Comment: Glu392Glu in exon 11 of RDX: This variant is not expected to have clinical signi ficance because it does not alter an amino acid residue and is not located withi n the splice consensus sequence.

NM_002906.4(RDX):c.1176G>A (p.Glu392=)

Gene: RDX (radixin; minus strand). Cytogenetic location: 11q22.3.
Variant type: single nucleotide variant.
Coding change: c.1176G>A on transcript NM_002906.4 (MANE Select); coding-DNA position 1176, G replaced by A.
Protein change: p.Glu392=; no amino-acid change (glutamic acid 392 retained).
Molecular consequence: synonymous variant. On other transcripts: intron variant (1).
Genome position (GRCh38, 1-based): chr11:110,237,567, C>T on the plus strand (G>A on the coding strand, the complement: RDX is on the minus strand). VCF-style: chr11-110237567-C-T. GRCh37 (hg19) VCF-style: chr11-110108292-C-T.
Other names: c.1176G>A, p.Glu392= (NM_001260492.2, NM_001260493.2); c.768G>A, p.Glu256= (NM_001260494.2); c.135G>A, p.Glu45= (NM_001260495.2); c.405-5563G>A (NM_001260496.2).
Identifiers: ClinVar variation 180030 (VCV000180030.5), dbSNP rs727505297, ClinGen allele CA185675.